The following is an entry in ClinVar:

NM_002972.4(SBF1):c.4039_4040delinsAA (p.Pro1347Lys)

Gene: SBF1 (SET binding factor 1; minus strand). Cytogenetic location: 22q13.33.
Variant type: Indel.
Coding change: c.4039_4040delinsAA on transcript NM_002972.4 (MANE Select); coding-DNA positions 4039 to 4040, CC replaced by AA.
Protein change: p.Pro1347Lys; replaces proline 1347 with lysine.
Molecular consequence: missense variant.
Genome position (GRCh38, 1-based): chr22:50,456,538-50,456,539, GG replaced by TT on the plus strand (CC replaced by AA on the coding strand, the reverse complement: SBF1 is on the minus strand). VCF-style: chr22-50456538-GG-TT. GRCh37 (hg19) VCF-style: chr22-50894967-GG-TT.
Other names: c.3964_3965delinsAA, p.Pro1322Lys (NM_001365819.1); c.4042_4043delCCinsAA, p.Pro1348Lys (NM_001410794.1); c.3961_3962delCCinsAA, p.Pro1321Lys (NM_001410795.1); c.4039_4040delCCinsAA, p.Pro1347Lys (NM_197971.1); short protein forms P1347K, P1322K, P1321K, P1348K.
Identifiers: ClinVar variation 1923331 (VCV001923331.2), dbSNP rs2521858035, ClinGen allele CA2580099932.

ClinVar aggregate classification (germline): Uncertain significance (1 of 4 stars; one submission).

Submission:

Labcorp Genetics (formerly Invitae), Labcorp
Classification: Uncertain significance. Last evaluated: 2022-02-06. Review status: criteria provided, single submitter. Criteria: Invitae Variant Classification Sherloc (09022015). Collection method: clinical testing. Allele origin: germline.
Comment: This sequence change replaces proline, which is neutral and non-polar, with lysine, which is basic and polar, at codon 1347 of the SBF1 protein (p.Pro1347Lys). Information on the frequency of this variant in the gnomAD database is not available, as this variant may be reported differently in the database. This variant has not been reported in the literature in individuals affected with SBF1-related conditions. Algorithms developed to predict the effect of missense changes on protein structure and function are either unavailable or do not agree on the potential impact of this missense change (SIFT: "Not Available"; PolyPhen-2: "Benign"; Align-GVGD: "Not Available"). In summary, the available evidence is currently insufficient to determine the role of this variant in disease. Therefore, it has been classified as a Variant of Uncertain Significance.